The following is an entry in ClinVar:

NM_001013703.4(EIF2AK4):c.627A>C (p.Gln209His)

Gene: EIF2AK4 (eukaryotic translation initiation factor 2 alpha kinase 4; plus strand). Cytogenetic location: 15q15.1.
Variant type: single nucleotide variant.
Coding change: c.627A>C on transcript NM_001013703.4 (MANE Select); coding-DNA position 627, A replaced by C.
Protein change: p.Gln209His; replaces glutamine 209 with histidine.
Molecular consequence: missense variant.
Genome position (GRCh38, 1-based): chr15:39,955,652, A>C. VCF-style: chr15-39955652-A-C. GRCh37 (hg19) VCF-style: chr15-40247853-A-C.
Other names: short protein forms Q209H.
Identifiers: ClinVar variation 3721641 (VCV003721641.2).
Genomic context (GRCh38, chr15:39,955,652, plus strand): 5'-AAAGTAAGTTTTACTTTTCTTGTTCTAGGAACGTTTGGAAATTGCTAGTTTGTCAAACCA[A>C]GATCATACCTCTAAGAAGGACCCAGGAGGACACAGAACGGCTGCCATTCTACATGGAGGC-3'
Protein context (NP_001013725.2, residues 199-219): ERLEIASLSN[Gln209His]DHTSKKDPGG

ClinVar aggregate classification (germline): Uncertain significance (1 of 4 stars; one submission).

gnomAD v4.1: 131 of 1,610,286 alleles (0.0081%); highest among the groups gnomAD compares: Non-Finnish European, 0.011%; no homozygotes.

Submission:

Labcorp Genetics (formerly Invitae), Labcorp
Classification: Uncertain significance. Last evaluated: 2024-04-10. Review status: criteria provided, single submitter. Criteria: Invitae Variant Classification Sherloc (09022015). Collection method: clinical testing. Allele origin: germline.
Comment: This sequence change replaces glutamine, which is neutral and polar, with histidine, which is basic and polar, at codon 209 of the EIF2AK4 protein (p.Gln209His). This variant is present in population databases (rs777058569, gnomAD 0.01%). This missense change has been observed in individual(s) with pulmonary arterial hypertension (PMID: 27613157). Advanced modeling of protein sequence and biophysical properties (such as structural, functional, and spatial information, amino acid conservation, physicochemical variation, residue mobility, and thermodynamic stability) performed at Invitae indicates that this missense variant is not expected to disrupt EIF2AK4 protein function with a negative predictive value of 95%. In summary, the available evidence is currently insufficient to determine the role of this variant in disease. Therefore, it has been classified as a Variant of Uncertain Significance.

Literature cited by the submitters: PubMed 27613157.